The following is an entry in ClinVar:

ClinVar aggregate classification (germline): Likely benign. Review status: criteria provided, multiple submitters, no conflicts (2 of 4 stars). 2 submissions from 2 submitters: Likely benign (2). Last evaluated 2026-09-22.

Conditions:
Neurofibromatosis, type 1 (NF1). Also called: Neurofibromatosis, type I; Peripheral type neurofibromatosis; VON RECKLINGHAUSEN DISEASE; NEUROFIBROMATOSIS, TYPE I, SOMATIC. Identifiers: Orphanet 636, MedGen C0027831, MONDO:0018975, OMIM 162200. Disease mechanism: loss of function.

Allele frequency attached by ClinVar (database versions not stated): gnomAD exomes below 0.00001; TOPMed below 0.00001.
gnomAD v4.1: 1 of 1,600,486 alleles (0.000062%); highest among the groups gnomAD compares: African/African-American, 0.0013%; no homozygotes.

Submissions (2):

Myriad Genetics, Inc.
Classification: Likely benign for Neurofibromatosis, type 1. Last evaluated: 2026-09-22. Review status: criteria provided, single submitter. Criteria: Myriad Autosomal Dominant, Autosomal Recessive and X-Linked Classification Criteria (2023). Collection method: clinical testing. Allele origin: unknown.
Comment: This variant is considered likely benign. This variant is intronic and is not expected to impact mRNA splicing.

Labcorp Genetics (formerly Invitae), Labcorp
Classification: Likely benign for Neurofibromatosis, type 1. Last evaluated: 2025-10-07. Review status: criteria provided, single submitter. Criteria: Invitae Variant Classification Sherloc (09022015). Collection method: clinical testing. Allele origin: germline.

NM_001042492.3(NF1):c.8377+10T>C

Gene: NF1 (neurofibromin 1; plus strand). Cytogenetic location: 17q11.2.
Variant type: single nucleotide variant.
Coding change: c.8377+10T>C on transcript NM_001042492.3 (MANE Select); 10 bases into the intron after coding-DNA position 8377, T replaced by C.
Molecular consequence: intron variant.
Genome position (GRCh38, 1-based): chr17:31,360,713, T>C. VCF-style: chr17-31360713-T-C. GRCh37 (hg19) VCF-style: chr17-29687731-T-C.
Other names: c.8314+10T>C (NM_000267.4).
Identifiers: ClinVar variation 797912 (VCV000797912.10), dbSNP rs1321286725, ClinGen allele CA625786008.